The following is an entry in ClinVar:

ClinVar aggregate classification (germline): Likely benign. Review status: criteria provided, single submitter (1 of 4 stars). 2 submissions from 2 submitters: Likely benign (1). 1 of the submissions does not count toward it. Last evaluated 2024-01-23.

Conditions:
MEF2A-related disorder. Also called: MEF2A-related condition.

Allele frequency attached by ClinVar (database versions not stated): 1000 Genomes Project 30x 0.00031; 1000 Genomes Project 0.00040; ESP Exome Variant Server 0.00066; gnomAD 0.00069; ExAC 0.00073; TOPMed 0.00073; gnomAD exomes 0.00093.
gnomAD v4.1: 1,360 of 1,530,620 alleles (0.089%); highest among the groups gnomAD compares: Non-Finnish European, 0.11%; no homozygotes.

Submissions (2):

Ambry Genetics
Classification: Likely benign. Last evaluated: 2024-01-23. Review status: criteria provided, single submitter. Criteria: Ambry Variant Classification Scheme 2023. Collection method: clinical testing. Allele origin: germline.

PreventionGenetics, part of Exact Sciences
Classification: Likely benign for MEF2A-related condition. Last evaluated: 2019-06-06. Review status: no assertion criteria provided. Collection method: clinical testing. Allele origin: germline. Not counted in ClinVar's aggregate classification.
Comment: This variant is classified as likely benign based on ACMG/AMP sequence variant interpretation guidelines (Richards et al. 2015 PMID: 25741868, with internal and published modifications).

NM_001319206.4(MEF2A):c.1137T>C (p.Val379=)

Gene: MEF2A (myocyte enhancer factor 2A; plus strand). Cytogenetic location: 15q26.3.
Variant type: single nucleotide variant.
Coding change: c.1137T>C on transcript NM_001319206.4 (MANE Select); coding-DNA position 1137, T replaced by C.
Protein change: p.Val379=; no amino-acid change (valine 379 retained).
Molecular consequence: synonymous variant.
Genome position (GRCh38, 1-based): chr15:99,712,390, T>C. VCF-style: chr15-99712390-T-C. GRCh37 (hg19) VCF-style: chr15-100252595-T-C.
Other names: c.1113T>C, p.Val371= (NM_001130926.5, NM_001171894.5, NM_001352614.4 and 15 more transcripts); c.933T>C, p.Val311= (NM_001130927.5, NM_001365209.3); c.909T>C, p.Val303= (NM_001130928.4, NM_001393559.2); c.1137T>C, p.Val379= (NM_001352616.4, NM_001365205.3, NM_001400031.1 and 5 more transcripts); c.1119T>C, p.Val373= (NM_001352617.4, NM_001365207.3, NM_001400038.1 and 8 more transcripts); c.1131T>C, p.Val377= (NM_001352618.4, NM_001365206.3, NM_001400037.1); c.1155T>C, p.Val385= (NM_001365201.3, NM_001365202.3); c.1143T>C, p.Val381= (NM_001365203.3, NM_001365204.3, NM_001400029.1 and 1 more transcripts); and 7 more.
Identifiers: ClinVar variation 3043823 (VCV003043823.3), dbSNP rs199613639, ClinGen allele CA7755641.
Genomic context (GRCh38, chr15:99,712,390, plus strand): 5'-CATCCCAGTTTTGCAGAGGTACTTGCAAGCCATCTGACCTCTCTCTTTTTTTTCCTTCAG[T>C]GCTGGAGGGCAGTTATCTCAGGGTTCCAATTTATCCATTAATACCAACCAAAACATCAGC-3'
Protein context (NP_001306135.1, residues 369-389): HLGQAALSSL[Val379=]AGGQLSQGSN